The following is an entry in ClinVar:

ClinVar aggregate classification (germline): Uncertain significance (1 of 4 stars; one submission).

Conditions:
Familial thoracic aortic aneurysm and aortic dissection (TAAD). Also called: Thoracic aortic aneurysms and dissections. Identifiers: Orphanet 91387, MedGen C4707243, MONDO:0019625.

gnomAD v4.1: 2 of 1,614,062 alleles (0.00012%); highest among the groups gnomAD compares: South Asian, 0.0011%; no homozygotes.

Submission:

All of Us Research Program, National Institutes of Health
Classification: Uncertain significance for Familial thoracic aortic aneurysm and aortic dissection. Last evaluated: 2024-04-10. Review status: criteria provided, single submitter. Criteria: ACMG Guidelines, 2015. Collection method: clinical testing. Allele origin: germline. Inheritance: Autosomal dominant inheritance. Observed: 1 variant allele, 1 heterozygote.
Comment: This study involves interpretation of variants in research participants for the purpose of population health screening. Participant phenotype was not available at the time of variant classification. Additional details can be found in publication PMID: 35346344, PMCID: PMC8962531

NM_002474.3(MYH11):c.1744G>A (p.Gly582Arg)

Gene: MYH11 (myosin heavy chain 11; minus strand). Cytogenetic location: 16p13.11.
Variant type: single nucleotide variant.
Coding change: c.1744G>A on transcript NM_002474.3 (MANE Select); coding-DNA position 1744, G replaced by A.
Protein change: p.Gly582Arg; replaces glycine 582 with arginine.
Molecular consequence: missense variant.
Genome position (GRCh38, 1-based): chr16:15,756,346, C>T on the plus strand (G>A on the coding strand, the complement: MYH11 is on the minus strand). VCF-style: chr16-15756346-C-T. GRCh37 (hg19) VCF-style: chr16-15850203-C-T.
Other names: c.1765G>A, p.Gly589Arg (NM_001040113.2, NM_001040114.2); c.1744G>A, p.Gly582Arg (NM_022844.3); short protein forms G582R, G589R.
Identifiers: ClinVar variation 3387232 (VCV003387232.1).